The following is an entry in ClinVar:

ClinVar aggregate classification (germline): Benign/Likely benign. Review status: criteria provided, multiple submitters, no conflicts (2 of 4 stars). 6 submissions from 6 submitters: Benign (2); Likely benign (4). Last evaluated 2026-02-01.

Conditions:
TSC2-related disorder. Also called: TSC2-Related Disorders; TSC2-related condition.
Hereditary cancer-predisposing syndrome. Also called: Hereditary Cancer Syndrome; Tumor predisposition; Hereditary neoplastic syndrome; Neoplastic Syndromes, Hereditary. Identifiers: Orphanet 140162, MedGen C0027672, MeSH D009386, MONDO:0015356.
Tuberous sclerosis syndrome (TSC). Also called: Tuberous sclerosis; Tuberous Sclerosis Complex. Identifiers: Orphanet 805, MedGen C0041341, MONDO:0001734.
Tuberous sclerosis 2 (TSC2). Identifiers: Orphanet 805, MedGen C1860707, MONDO:0013199, OMIM 613254.

Allele frequency attached by ClinVar (database versions not stated): TOPMed 0.00002.

Submissions (6):

Labcorp Genetics (formerly Invitae), Labcorp
Classification: Likely benign for Tuberous sclerosis 2. Last evaluated: 2026-02-01. Review status: criteria provided, single submitter. Criteria: Invitae Variant Classification Sherloc (09022015). Collection method: clinical testing. Allele origin: germline.

PreventionGenetics, part of Exact Sciences
Classification: Likely benign for TSC2-related condition. Last evaluated: 2025-09-16. Review status: criteria provided, single submitter. Criteria: ACMG Guidelines, 2015. Collection method: clinical testing. Allele origin: germline.
Comment: This variant is classified as likely benign based on ACMG/AMP sequence variant interpretation guidelines (Richards et al. 2015 PMID: 25741868, with internal and published modifications).

Myriad Genetics, Inc.
Classification: Benign for Tuberous sclerosis 2. Last evaluated: 2025-06-06. Review status: criteria provided, single submitter. Criteria: Myriad Autosomal Dominant, Autosomal Recessive and X-Linked Classification Criteria (2023). Collection method: clinical testing. Allele origin: unknown.
Comment: This variant is considered benign. This variant is a silent/synonymous amino acid change and it is not expected to impact splicing.

All of Us Research Program, National Institutes of Health
Classification: Likely benign for Tuberous sclerosis syndrome. Last evaluated: 2023-10-02. Review status: criteria provided, single submitter. Criteria: ACMG Guidelines, 2015. Collection method: clinical testing. Allele origin: germline. Inheritance: Autosomal dominant inheritance. Observed: 3 variant alleles, 3 heterozygotes.
Comment: This study involves interpretation of variants in research participants for the purpose of population health screening. Participant phenotype was not available at the time of variant classification. Additional details can be found in publication PMID: 35346344, PMCID: PMC8962531

Genome-Nilou Lab
Classification: Benign for Tuberous sclerosis 2. Last evaluated: 2021-11-07. Review status: criteria provided, single submitter. Criteria: ACMG Guidelines, 2015. Collection method: clinical testing. Allele origin: germline. Affected: no.

Ambry Genetics
Classification: Likely benign for Hereditary cancer-predisposing syndrome. Last evaluated: 2015-10-28. Review status: criteria provided, single submitter. Criteria: Ambry Variant Classification Scheme 2023. Collection method: clinical testing. Allele origin: germline.

NM_000548.5(TSC2):c.5250C>A (p.Leu1750=)

Gene: TSC2 (TSC complex subunit 2; plus strand). Cytogenetic location: 16p13.3.
Variant type: single nucleotide variant.
Coding change: c.5250C>A on transcript NM_000548.5 (MANE Select); coding-DNA position 5250, C replaced by A.
Protein change: p.Leu1750=; no amino-acid change (leucine 1750 retained).
Molecular consequence: synonymous variant.
Genome position (GRCh38, 1-based): chr16:2,088,316, C>A. VCF-style: chr16-2088316-C-A. GRCh37 (hg19) VCF-style: chr16-2138317-C-A.
Other names: c.5049C>A, p.Leu1683= (NM_001077183.3); c.5181C>A, p.Leu1727= (NM_001114382.3); c.4941C>A, p.Leu1647= (NM_001318827.2); c.4905C>A, p.Leu1635= (NM_001318829.2); c.4518C>A, p.Leu1506= (NM_001318831.2); c.5082C>A, p.Leu1694= (NM_001318832.2); c.5052C>A, p.Leu1684= (NM_001363528.2); c.5118C>A, p.Leu1706= (NM_001370404.1); and 3 more.
Identifiers: ClinVar variation 413731 (VCV000413731.22), dbSNP rs370353005, ClinGen allele CA054561.